The following is an entry in ClinVar:

NM_000038.6(APC):c.196A>T (p.Ile66Phe)

Gene: APC (APC regulator of Wnt signaling pathway; plus strand). Cytogenetic location: 5q22.2.
Variant type: single nucleotide variant.
Coding change: c.196A>T on transcript NM_000038.6 (MANE Select); coding-DNA position 196, A replaced by T.
Protein change: p.Ile66Phe; replaces isoleucine 66 with phenylalanine.
Molecular consequence: missense variant. On other transcripts: 5 prime UTR variant (4), non-coding transcript variant (2).
Genome position (GRCh38, 1-based): chr5:112,766,386, A>T. VCF-style: chr5-112766386-A-T. GRCh37 (hg19) VCF-style: chr5-112102083-A-T.
Other names: c.196A>T, p.Ile66Phe (NM_001127510.3, NM_001354895.2, NM_001354896.2 and 16 more transcripts); c.226A>T, p.Ile76Phe (NM_001127511.3, NM_001354897.2, NM_001354902.2 and 1 more transcripts); c.121A>T, p.Ile41Phe (NM_001354898.2, NM_001354904.2, NM_001407451.1); c.19A>T, p.Ile7Phe (NM_001354900.2, NM_001354901.2, NM_001354905.2 and 1 more transcripts); c.-840A>T (NM_001354906.2, NM_001407470.1, NM_001407471.1 and 1 more transcripts); short protein forms I41F, I66F, I76F, I7F.
Identifiers: ClinVar variation 3304950 (VCV003304950.1).
Genomic context (GRCh38, chr5:112,766,386, plus strand): 5'-GAAGTACTTAAACAACTACAAGGAAGTATTGAAGATGAAGCTATGGCTTCTTCTGGACAG[A>T]TTGATTTATTAGAGCGTCTTAAAGGTAGATTTTAAAAAGGTGTTTTAAAATAATTTTTTA-3'
Protein context (NP_000029.2, residues 56-76): EDEAMASSGQ[Ile66Phe]DLLERLKELN

ClinVar aggregate classification (germline): Uncertain significance (1 of 4 stars; one submission).

Conditions:
Hereditary cancer-predisposing syndrome. Also called: Tumor predisposition; Hereditary Cancer Syndrome; Hereditary neoplastic syndrome; Neoplastic Syndromes, Hereditary. Identifiers: Orphanet 140162, MedGen C0027672, MeSH D009386, MONDO:0015356.

Submission:

Ambry Genetics
Classification: Uncertain significance for Hereditary cancer-predisposing syndrome. Last evaluated: 2024-05-13. Review status: criteria provided, single submitter. Criteria: Ambry Variant Classification Scheme 2023. Collection method: clinical testing. Allele origin: germline.
Comment: The p.I66F variant (also known as c.196A>T), located in coding exon 2 of the APC gene, results from an A to T substitution at nucleotide position 196. The isoleucine at codon 66 is replaced by phenylalanine, an amino acid with highly similar properties. This amino acid position is well conserved in available vertebrate species. In addition, in silico predictors for this gene do not accurately predict pathogenicity. Missense alterations in APC are not a common cause of disease (Spier I et al. Genet Med. 2024 Feb;26(2):100992). Based on the available evidence, the clinical significance of this variant remains unclear.